The following is an entry in ClinVar:

ClinVar aggregate classification (germline): Uncertain significance (1 of 4 stars; one submission).

Conditions:
Karyomegalic interstitial nephritis. Identifiers: Orphanet 401996, MedGen C3553774, MONDO:0013898, OMIM 614817.

Submission:

Baylor Genetics
Classification: Uncertain significance for Karyomegalic interstitial nephritis. Last evaluated: 2018-11-09. Review status: criteria provided, single submitter. Criteria: ACMG Guidelines, 2015. Collection method: clinical testing. Allele origin: paternal. Affected: yes.
Comment: This variant was determined to be of uncertain significance according to ACMG Guidelines, 2015 [PMID:25741868].

NM_014967.5(FAN1):c.*260_*262del

Genes: FAN1 (FANCD2 and FANCI associated nuclease 1; plus strand), MTMR10 (myotubularin related protein 10; minus strand). Cytogenetic location: 15q13.3.
Variant type: Deletion.
Coding change: c.*260_*262del on transcript NM_014967.5 (MANE Select); 260 bases downstream of the stop codon through 262 bases downstream of the stop codon, 3 bases deleted (TAG; older notation c.*260_*262delTAG).
Molecular consequence: 3 prime UTR variant. On other transcripts: inframe deletion (1).
Genome position (GRCh38, 1-based): chr15:30,941,822-30,941,824, TAG deleted; deleting any 3 consecutive bases within chr15:30,941,820-30,941,824 gives the same sequence; the c. name uses the placement nearest the transcript's 3' end. VCF-style (leftmost placement, unchanged base first): chr15-30941819-AAGT-A. GRCh37 (hg19) VCF-style: chr15-31234022-AAGT-A.
Other names: c.1982_1984del, p.Tyr661del (NM_017762.3); short protein forms Y661del.
Identifiers: ClinVar variation 1033719 (VCV001033719.1), dbSNP rs757458714, ClinGen allele CA7450977.